The following is an entry in ClinVar:

NC_000006.11:g.(?_5368804)_(5404954_?)del

Gene: FARS2 (phenylalanyl-tRNA synthetase 2, mitochondrial; plus strand). Cytogenetic location: 6p25.1.
Variant type: Deletion.
Identifiers: ClinVar variation 2425605 (VCV002425605.4).

ClinVar aggregate classification (germline): Pathogenic (1 of 4 stars; one submission).

Conditions:
Combined oxidative phosphorylation defect type 14. Also called: Combined oxidative phosphorylation deficiency 14. Identifiers: Orphanet 319519, MedGen C4755312, MONDO:0013986, OMIM 614946.

Submission:

Labcorp Genetics (formerly Invitae), Labcorp
Classification: Pathogenic for Combined oxidative phosphorylation defect type 14. Last evaluated: 2021-09-01. Review status: criteria provided, single submitter. Criteria: Invitae Variant Classification Sherloc (09022015). Collection method: clinical testing. Allele origin: germline.
Comment: For these reasons, this variant has been classified as Pathogenic. This variant has not been reported in the literature in individuals affected with FARS2-related conditions. This variant is a gross deletion of the genomic region encompassing exon(s) 2-3 of the FARS2 gene, which includes the initiator codon. This deletion extends beyond the assayed region for this gene and therefore may encompass additional genes. It is expected to result in an absent or disrupted protein product. Loss-of-function variants in FARS2 are known to be pathogenic (PMID: 22833457).

Literature cited by the submitters: PubMed 22833457.